The following is an entry in ClinVar:

ClinVar aggregate classification (germline): Pathogenic. Review status: criteria provided, multiple submitters, no conflicts (2 of 4 stars). 2 submissions from 2 submitters: Pathogenic (2). Last evaluated 2021-07-19.

Conditions:
Glutaric aciduria, type 1. Also called: Glutaric acidemia type I; Glutaric Acidemia Type 1; GA I; Glutaricacidemia Type 1; Glutaryl-CoA dehydrogenase deficiency; Glutaricaciduria, type I. Identifiers: Orphanet 25, MedGen C0268595, MONDO:0009281, OMIM 231670.

Submissions (2):

Women's Health and Genetics/Laboratory Corporation of America, LabCorp
Classification: Pathogenic for Glutaric aciduria, type 1. Last evaluated: 2021-07-19. Review status: criteria provided, single submitter. Criteria: LabCorp Variant Classification Summary - May 2015. Collection method: clinical testing. Allele origin: germline.
Comment: Variant summary: GCDH c.478C>T (p.Gln160X) results in a premature termination codon, predicted to cause a truncation of the encoded protein or absence of the protein due to nonsense mediated decay, which are commonly known mechanisms for disease. Truncations downstream of this position have been classified as pathogenic by our laboratory. The variant was absent in 251414 control chromosomes. c.478C>T has been reported in the literature in individuals affected with Glutaric Acidemia Type 1 (Park_2010, Boy_2018). To our knowledge, no experimental evidence demonstrating an impact on protein function has been reported. One clinical diagnostic laboratory has submitted clinical-significance assessments for this variant to ClinVar after 2014 without evidence for independent evaluation. One laboratory classified the variant as pathogenic. Based on the evidence outlined above, the variant was classified as pathogenic.

Labcorp Genetics (formerly Invitae), Labcorp
Classification: Pathogenic for Glutaric aciduria, type 1. Last evaluated: 2020-12-04. Review status: criteria provided, single submitter. Criteria: Invitae Variant Classification Sherloc (09022015). Collection method: clinical testing. Allele origin: germline.
Comment: For these reasons, this variant has been classified as Pathogenic. Loss-of-function variants in GCDH are known to be pathogenic (PMID: 10699052, 11854167, 16602100). This variant has been observed in an individual affected with glutaric aciduria type I (PMID: 20514322). This variant is not present in population databases (ExAC no frequency). This sequence change creates a premature translational stop signal (p.Gln160*) in the GCDH gene. It is expected to result in an absent or disrupted protein product.

Literature cited by the submitters: PubMed 29665094 (cited by Women's Health and Genetics/Laboratory Corporation of America, LabCorp); PubMed 24795062 (cited by Women's Health and Genetics/Laboratory Corporation of America, LabCorp); PubMed 20514322 (cited by Women's Health and Genetics/Laboratory Corporation of America, LabCorp and Labcorp Genetics (formerly Invitae), Labcorp); PubMed 10699052 (cited by Labcorp Genetics (formerly Invitae), Labcorp); PubMed 11854167 (cited by Labcorp Genetics (formerly Invitae), Labcorp); PubMed 16602100 (cited by Labcorp Genetics (formerly Invitae), Labcorp).

NM_000159.4(GCDH):c.478C>T (p.Gln160Ter)

Gene: GCDH (glutaryl-CoA dehydrogenase; plus strand). Cytogenetic location: 19p13.13.
Variant type: single nucleotide variant.
Coding change: c.478C>T on transcript NM_000159.4 (MANE Select); coding-DNA position 478, C replaced by T.
Protein change: p.Gln160Ter; replaces glutamine 160 with a stop codon.
Molecular consequence: nonsense. On other transcripts: non-coding transcript variant (2).
Genome position (GRCh38, 1-based): chr19:12,893,626, C>T. VCF-style: chr19-12893626-C-T. GRCh37 (hg19) VCF-style: chr19-13004440-C-T.
Other names: c.478C>T, p.Gln160Ter (NM_013976.5); short protein forms Q160*.
Identifiers: ClinVar variation 852650 (VCV000852650.11), dbSNP rs1970608600, ClinGen allele CA404317635.
Genomic context (GRCh38, chr19:12,893,626, plus strand): 5'-GCGATGAGTGTCCAGTCCTCCCTCGTCATGCACCCTATCTATGCCTATGGCAGCGAGGAA[C>T]AGCGGCAGAAGTACCTGCCCCAGCTGGGTGAGTGGCTGCCCATGGGGCCTGGTGGAAGGA-3'